The following is an entry in ClinVar:

ClinVar aggregate classification (germline): Uncertain significance (1 of 4 stars; one submission).

Conditions:
Common variable immunodeficiency (CVID). Also called: Common variable hypogamma-globulinemia; Common variable agammaglobulinemia. Identifiers: Orphanet 1572, MedGen C0009447, MONDO:0015517.

Allele frequency attached by ClinVar (database versions not stated): gnomAD 0.00001; gnomAD exomes 0.00001; TOPMed 0.00003.
gnomAD v4.1: 13 of 1,552,860 alleles (0.00084%); highest among the groups gnomAD compares: Admixed American, 0.0019%; no homozygotes.

Submission:

Labcorp Genetics (formerly Invitae), Labcorp
Classification: Uncertain significance for Common variable immunodeficiency. Last evaluated: 2022-09-19. Review status: criteria provided, single submitter. Criteria: Invitae Variant Classification Sherloc (09022015). Collection method: clinical testing. Allele origin: germline.
Comment: In summary, the available evidence is currently insufficient to determine the role of this variant in disease. Therefore, it has been classified as a Variant of Uncertain Significance. Algorithms developed to predict the effect of missense changes on protein structure and function (SIFT, PolyPhen-2, Align-GVGD) all suggest that this variant is likely to be tolerated. ClinVar contains an entry for this variant (Variation ID: 834165). This variant has not been reported in the literature in individuals affected with TNFSF12-related conditions. This variant is not present in population databases (gnomAD no frequency). This sequence change replaces aspartic acid, which is acidic and polar, with alanine, which is neutral and non-polar, at codon 65 of the TNFSF12 protein (p.Asp65Ala).

NM_003809.3(TNFSF12):c.194A>C (p.Asp65Ala)

Genes: TNFSF12 (TNF superfamily member 12; plus strand), TNFSF12-TNFSF13 (TNFSF12-TNFSF13 readthrough; plus strand). Cytogenetic location: 17p13.1.
Variant type: single nucleotide variant.
Coding change: c.194A>C on transcript NM_003809.3 (MANE Select); coding-DNA position 194, A replaced by C.
Protein change: p.Asp65Ala; replaces aspartic acid 65 with alanine.
Molecular consequence: missense variant. On other transcripts: non-coding transcript variant (1).
Genome position (GRCh38, 1-based): chr17:7,549,508, A>C. VCF-style: chr17-7549508-A-C. GRCh37 (hg19) VCF-style: chr17-7452825-A-C.
Other names: c.194A>C, p.Asp65Ala (NM_172089.4); short protein forms D65A.
Identifiers: ClinVar variation 834165 (VCV000834165.12), dbSNP rs747019973, ClinGen allele CA287462357.